The following is an entry in ClinVar:

NM_000059.4(BRCA2):c.10232C>A (p.Thr3411Lys)

Gene: BRCA2 (BRCA2 DNA repair associated; plus strand). Cytogenetic location: 13q13.1.
Variant type: single nucleotide variant.
Coding change: c.10232C>A on transcript NM_000059.4 (MANE Select); coding-DNA position 10232, C replaced by A.
Protein change: p.Thr3411Lys; replaces threonine 3411 with lysine.
Molecular consequence: missense variant.
Genome position (GRCh38, 1-based): chr13:32,398,745, C>A. VCF-style: chr13-32398745-C-A. GRCh37 (hg19) VCF-style: chr13-32972882-C-A.
Other names: short protein forms T3411K.
Identifiers: ClinVar variation 920330 (VCV000920330.4), dbSNP rs864622402, ClinGen allele CA387768591.

ClinVar aggregate classification (germline): Uncertain significance (1 of 4 stars; one submission).

Conditions:
Hereditary cancer-predisposing syndrome. Also called: Neoplastic Syndromes, Hereditary; Tumor predisposition; Hereditary Cancer Syndrome; Hereditary neoplastic syndrome. Identifiers: Orphanet 140162, MedGen C0027672, MeSH D009386, MONDO:0015356.

Submission:

Color Diagnostics, LLC DBA Color Health
Classification: Uncertain significance for Hereditary cancer-predisposing syndrome. Last evaluated: 2024-03-06. Review status: criteria provided, single submitter. Criteria: ACMG Guidelines, 2015. Collection method: clinical testing. Allele origin: germline.
Comment: This missense variant replaces threonine with lysine at codon 3411 of the BRCA2 protein. Computational prediction tool suggests that this variant may not impact protein structure and function (internally defined REVEL score threshold <=0.5, PMID: 27666373). Splice site prediction tools suggest that this variant may not impact RNA splicing. To our knowledge, functional studies have not been performed for this variant. This variant has not been reported in individuals affected with hereditary cancer in the literature. This variant has not been identified in the general population by the Genome Aggregation Database (gnomAD). The available evidence is insufficient to determine the role of this variant in disease conclusively. Therefore, this variant is classified as a Variant of Uncertain Significance.